The following is an entry in ClinVar:

ClinVar aggregate classification (germline): Uncertain significance (1 of 4 stars; one submission).

Conditions:
Hereditary breast ovarian cancer syndrome. Also called: Hereditary breast and ovarian cancer syndrome; Hereditary breast and ovarian cancer syndrome (HBOC); Breast and ovarian cancer; Hereditary breast and/or ovarian cancer syndrome; BRCA1- and BRCA2-Associated Hereditary Breast and Ovarian Cancer; Hereditary breast and ovarian cancer. Identifiers: Orphanet 145, MedGen C0677776, MeSH D061325, MONDO:0003582. Disease mechanism: loss of function.

Submission:

Labcorp Genetics (formerly Invitae), Labcorp
Classification: Uncertain significance for Hereditary breast ovarian cancer syndrome. Last evaluated: 2022-01-04. Review status: criteria provided, single submitter. Criteria: Invitae Variant Classification Sherloc (09022015). Collection method: clinical testing. Allele origin: germline.
Comment: This variant has not been reported in the literature in individuals affected with BRCA2-related conditions. Advanced modeling of protein sequence and biophysical properties (such as structural, functional, and spatial information, amino acid conservation, physicochemical variation, residue mobility, and thermodynamic stability) performed at Invitae indicates that this missense variant is not expected to disrupt BRCA2 protein function. In summary, the available evidence is currently insufficient to determine the role of this variant in disease. Therefore, it has been classified as a Variant of Uncertain Significance. This variant is not present in population databases (gnomAD no frequency). This sequence change replaces threonine, which is neutral and polar, with alanine, which is neutral and non-polar, at codon 2681 of the BRCA2 protein (p.Thr2681Ala).

NM_000059.4(BRCA2):c.8041A>G (p.Thr2681Ala)

Gene: BRCA2 (BRCA2 DNA repair associated; plus strand). Cytogenetic location: 13q13.1.
Variant type: single nucleotide variant.
Coding change: c.8041A>G on transcript NM_000059.4 (MANE Select); coding-DNA position 8041, A replaced by G.
Protein change: p.Thr2681Ala; replaces threonine 2681 with alanine.
Molecular consequence: missense variant.
Genome position (GRCh38, 1-based): chr13:32,363,243, A>G. VCF-style: chr13-32363243-A-G. GRCh37 (hg19) VCF-style: chr13-32937380-A-G.
Other names: c.7945A>G, p.Thr2649Ala (NM_001406719.1); c.8041A>G, p.Thr2681Ala (NM_001406720.1); c.3109A>G, p.Thr1037Ala (NM_001406721.1); c.1624A>G, p.Thr542Ala (NM_001406722.1); short protein forms T2649A, T2681A, T1037A, T542A.
Identifiers: ClinVar variation 2074896 (VCV002074896.4), dbSNP rs2137580189, ClinGen allele CA387749015.